The following is an entry in ClinVar:

ClinVar aggregate classification (germline): Uncertain significance (1 of 4 stars; one submission).

Submission:

Ambry Genetics
Classification: Uncertain significance. Last evaluated: 2024-03-30. Review status: criteria provided, single submitter. Criteria: Ambry Variant Classification Scheme 2023. Collection method: clinical testing. Allele origin: germline.
Comment: The c.1403A>C (p.Y468S) alteration is located in exon (coding exon ) of the HIPK2 gene. This alteration results from a A to C substitution at nucleotide position 1403, causing the tyrosine (Y) at amino acid position 468 to be replaced by a serine (S). Based on insufficient or conflicting evidence, the clinical significance of this alteration remains unclear.

NM_022740.5(HIPK2):c.1403A>C (p.Tyr468Ser)

Gene: HIPK2 (homeodomain interacting protein kinase 2; minus strand). Cytogenetic location: 7q34.
Variant type: single nucleotide variant.
Coding change: c.1403A>C on transcript NM_022740.5 (MANE Select); coding-DNA position 1403, A replaced by C.
Protein change: p.Tyr468Ser; replaces tyrosine 468 with serine.
Molecular consequence: missense variant.
Genome position (GRCh38, 1-based): chr7:139,628,984, T>G on the plus strand (A>C on the coding strand, the complement: HIPK2 is on the minus strand). VCF-style: chr7-139628984-T-G. GRCh37 (hg19) VCF-style: chr7-139313730-T-G.
Other names: c.1403A>C, p.Tyr468Ser (NM_001113239.3); short protein forms Y468S.
Identifiers: ClinVar variation 3284327 (VCV003284327.1).